The following is an entry in ClinVar:

ClinVar aggregate classification (germline): Uncertain significance (0 of 4 stars; one submission).

Conditions:
DUSP6-related disorder. Also called: DUSP6-related condition.

Submission:

PreventionGenetics, part of Exact Sciences
Classification: Uncertain significance for DUSP6-related condition. Last evaluated: 2024-05-17. Review status: no assertion criteria provided. Collection method: clinical testing. Allele origin: germline.
Comment: The DUSP6 c.640C>T variant is predicted to result in the amino acid substitution p.Leu214Phe. To our knowledge, this variant has not been reported in the literature or in a large population database, indicating this variant is rare. At this time, the clinical significance of this variant is uncertain due to the absence of conclusive functional and genetic evidence.

NM_001946.4(DUSP6):c.640C>T (p.Leu214Phe)

Genes: DUSP6 (dual specificity phosphatase 6; minus strand), POC1B-DUSP6 (POC1B-DUSP6 readthrough; minus strand). Cytogenetic location: 12q21.33.
Variant type: single nucleotide variant.
Coding change: c.640C>T on transcript NM_001946.4 (MANE Select); coding-DNA position 640, C replaced by T.
Protein change: p.Leu214Phe; replaces leucine 214 with phenylalanine.
Molecular consequence: missense variant. On other transcripts: intron variant (1).
Genome position (GRCh38, 1-based): chr12:89,350,786, G>A on the plus strand (C>T on the coding strand, the complement: DUSP6 is on the minus strand). VCF-style: chr12-89350786-G-A. GRCh37 (hg19) VCF-style: chr12-89744563-G-A.
Other names: c.400+854C>T (NM_022652.4); short protein forms L214F.
Identifiers: ClinVar variation 3349983 (VCV003349983.1).